The following is an entry in ClinVar:

ClinVar aggregate classification (germline): Uncertain significance (1 of 4 stars; one submission).

Allele frequency attached by ClinVar (database versions not stated): gnomAD exomes below 0.00001.
gnomAD v4.1: 1 of 1,614,198 alleles (0.000062%); highest among the groups gnomAD compares: Non-Finnish European, 0.000085%; no homozygotes.

Submission:

Ambry Genetics
Classification: Uncertain significance. Last evaluated: 2023-08-13. Review status: criteria provided, single submitter. Criteria: Ambry Variant Classification Scheme 2023. Collection method: clinical testing. Allele origin: germline.
Comment: The p.V54L variant (also known as c.160G>C), located in coding exon 1 of the MLH3 gene, results from a G to C substitution at nucleotide position 160. The valine at codon 54 is replaced by leucine, an amino acid with highly similar properties. This amino acid position is conserved. In addition, this alteration is predicted to be deleterious by in silico analysis. Since supporting evidence is limited at this time, the clinical significance of this alteration remains unclear.

NM_001040108.2(MLH3):c.160G>C (p.Val54Leu)

Gene: MLH3 (mutL homolog 3; minus strand). Cytogenetic location: 14q24.3.
Variant type: single nucleotide variant.
Coding change: c.160G>C on transcript NM_001040108.2 (MANE Select); coding-DNA position 160, G replaced by C.
Protein change: p.Val54Leu; replaces valine 54 with leucine.
Molecular consequence: missense variant.
Genome position (GRCh38, 1-based): chr14:75,049,496, C>G on the plus strand (G>C on the coding strand, the complement: MLH3 is on the minus strand). VCF-style: chr14-75049496-C-G. GRCh37 (hg19) VCF-style: chr14-75516199-C-G.
Other names: c.160G>C, p.Val54Leu (NM_014381.3); short protein forms V54L.
Identifiers: ClinVar variation 2625660 (VCV002625660.2), dbSNP rs2503335497, ClinGen allele CA390451452.